The following is an entry in ClinVar:

NM_152594.3(SPRED1):c.1208G>A (p.Arg403Gln)

Gene: SPRED1 (sprouty related EVH1 domain containing 1; plus strand). Cytogenetic location: 15q14.
Variant type: single nucleotide variant.
Coding change: c.1208G>A on transcript NM_152594.3 (MANE Select); coding-DNA position 1208, G replaced by A.
Protein change: p.Arg403Gln; replaces arginine 403 with glutamine.
Molecular consequence: missense variant.
Genome position (GRCh38, 1-based): chr15:38,351,537, G>A. VCF-style: chr15-38351537-G-A. GRCh37 (hg19) VCF-style: chr15-38643738-G-A.
Other names: c.1208G>A (NM_152594.2); short protein forms R403Q.
Identifiers: ClinVar variation 1490638 (VCV001490638.7), dbSNP rs772476060, ClinGen allele CA7470245.

ClinVar aggregate classification (germline): Uncertain significance. Review status: criteria provided, multiple submitters, no conflicts (2 of 4 stars). 2 submissions from 2 submitters: Uncertain significance (2). Last evaluated 2025-08-30.

Conditions:
Cardiovascular phenotype. Identifiers: MedGen CN230736.
Legius syndrome. Identifiers: Orphanet 137605, MedGen C1969623, MONDO:0012669, OMIM 611431. Disease mechanism: loss of function.

Allele frequency attached by ClinVar (database versions not stated): ExAC 0.00001; gnomAD 0.00001.
gnomAD v4.1: 10 of 1,613,992 alleles (0.00062%); highest among the groups gnomAD compares: South Asian, 0.0044%; no homozygotes.

Submissions (2):

Ambry Genetics
Classification: Uncertain significance for Cardiovascular phenotype. Last evaluated: 2025-08-30. Review status: criteria provided, single submitter. Criteria: Ambry Variant Classification Scheme 2023. Collection method: clinical testing. Allele origin: germline.
Comment: The p.R403Q variant (also known as c.1208G>A), located in coding exon 7 of the SPRED1 gene, results from a G to A substitution at nucleotide position 1208. The arginine at codon 403 is replaced by glutamine, an amino acid with highly similar properties. This amino acid position is conserved. In addition, this alteration is predicted to be deleterious by in silico analysis. Based on the available evidence, the clinical significance of this variant remains unclear.

Labcorp Genetics (formerly Invitae), Labcorp
Classification: Uncertain significance for Legius syndrome. Last evaluated: 2021-10-10. Review status: criteria provided, single submitter. Criteria: Invitae Variant Classification Sherloc (09022015). Collection method: clinical testing. Allele origin: germline.
Comment: In summary, the available evidence is currently insufficient to determine the role of this variant in disease. Therefore, it has been classified as a Variant of Uncertain Significance. Algorithms developed to predict the effect of missense changes on protein structure and function (SIFT, PolyPhen-2, Align-GVGD) all suggest that this variant is likely to be disruptive. This variant has not been reported in the literature in individuals affected with SPRED1-related conditions. This variant is present in population databases (rs772476060, ExAC 0.001%). This sequence change replaces arginine with glutamine at codon 403 of the SPRED1 protein (p.Arg403Gln). The arginine residue is highly conserved and there is a small physicochemical difference between arginine and glutamine.